The following is an entry in ClinVar:

ClinVar aggregate classification (germline): Benign (1 of 4 stars; one submission).

Conditions:
COL18A1-related disorder. Also called: COL18A1-related disorders; COL18A1-related condition.

Submission:

PreventionGenetics, part of Exact Sciences
Classification: Benign for COL18A1-related condition. Last evaluated: 2023-09-21. Review status: criteria provided, single submitter. Criteria: ACMG Guidelines, 2015. Collection method: clinical testing. Allele origin: germline.
Comment: This variant is classified as benign based on ACMG/AMP sequence variant interpretation guidelines (Richards et al. 2015 PMID: 25741868, with internal and published modifications).

NM_030582.4(COL18A1):c.3363_3380del (p.Pro1123_Gly1128del)

Gene: COL18A1 (collagen type XVIII alpha 1 chain; plus strand).
Variant type: Deletion.
Coding change: c.3363_3380del on transcript NM_030582.4; coding-DNA positions 3363 to 3380, 18 bases deleted.
Protein change: p.Pro1123_Gly1128del.
Molecular consequence: inframe deletion.
Other names: c.4068_4085del, p.Pro1358_Gly1363del (NM_130444.3).
Identifiers: ClinVar variation 3038203 (VCV003038203.1), dbSNP rs2521490887.